The following is an entry in ClinVar:

NM_017775.4(TTC19):c.906G>A (p.Met302Ile)

Gene: TTC19 (tetratricopeptide repeat domain 19; plus strand). Cytogenetic location: 17p12.
Variant type: single nucleotide variant.
Coding change: c.906G>A on transcript NM_017775.4 (MANE Select); coding-DNA position 906, G replaced by A.
Protein change: p.Met302Ile; replaces methionine 302 with isoleucine.
Molecular consequence: missense variant.
Genome position (GRCh38, 1-based): chr17:16,026,614, G>A. VCF-style: chr17-16026614-G-A. GRCh37 (hg19) VCF-style: chr17-15929928-G-A.
Other names: c.585G>A, p.Met195Ile (NM_001271420.2); short protein forms M302I, M195I.
Identifiers: ClinVar variation 2054602 (VCV002054602.4), dbSNP rs539229732, ClinGen allele CA8407561.

ClinVar aggregate classification (germline): Conflicting classifications of pathogenicity. Review status: criteria provided, conflicting classifications (1 of 4 stars). 2 submissions from 2 submitters: Uncertain significance (1); Likely benign (1). Last evaluated 2022-10-07.

Conditions:
Mitochondrial complex III deficiency nuclear type 2. Identifiers: MedGen C3554605, MONDO:0014063, OMIM 615157.

Allele frequency attached by ClinVar (database versions not stated): TOPMed 0.00002; gnomAD 0.00005; gnomAD exomes 0.00010; ExAC 0.00017; 1000 Genomes Project 0.00040; 1000 Genomes Project 30x 0.00047.
gnomAD v4.1: 146 of 1,614,118 alleles (0.009%); highest among the groups gnomAD compares: South Asian, 0.15%; 2 homozygotes.

Submissions (2):

Labcorp Genetics (formerly Invitae), Labcorp
Classification: Likely benign. Last evaluated: 2022-10-07. Review status: criteria provided, single submitter. Criteria: Invitae Variant Classification Sherloc (09022015). Collection method: clinical testing. Allele origin: germline.

Neuberg Centre For Genomic Medicine, NCGM
Classification: Uncertain significance for Mitochondrial complex III deficiency nuclear type 2. Review status: criteria provided, single submitter. Criteria: ACMG Guidelines, 2015. Collection method: clinical testing. Allele origin: germline. Inheritance: Autosomal recessive inheritance. Affected: yes.
Comment: The missense variant in c.906G>A (p.Met302Ile) in TTC19 gene has not been reported previously as a pathogenic variant nor as a benign variant, to our knowledge. This variant is reported with allele frequency of 0.02% in gnomAD database. The amino acid Met at position 302 is changed to a Ile changing protein sequence and it might alter its composition and physico-chemical properties. The amino acid change p.Met302Ile in TTC19 is predicted as conserved by GERP++ and PhyloP across 100 vertebrates. For these reasons, this variant has been classified as Uncertain Significance (VUS).